The following is an entry in ClinVar:

ClinVar aggregate classification (germline): Uncertain significance. Review status: criteria provided, single submitter (1 of 4 stars). 2 submissions from 2 submitters: Uncertain significance (1). 1 of the submissions does not count toward it. Last evaluated 2022-02-24.

Conditions:
Short-rib thoracic dysplasia 10 with or without polydactyly (SRTD10). Identifiers: Orphanet 474, MedGen C3810175, MONDO:0014284, OMIM 615630.
Retinitis pigmentosa 71 (RP71). Identifiers: Orphanet 791, MedGen C4225342, MONDO:0014618, OMIM 616394.
IFT172-related disorder. Also called: IFT172-related condition; IFT172-related disorders.

Allele frequency attached by ClinVar (database versions not stated): TOPMed below 0.00001; gnomAD 0.00001; gnomAD exomes 0.00004 and 0.00008; ExAC 0.00007.
gnomAD v4.1: 63 of 1,613,982 alleles (0.0039%); highest among the groups gnomAD compares: South Asian, 0.056%; 1 homozygote.

Submissions (2):

Labcorp Genetics (formerly Invitae), Labcorp
Classification: Uncertain significance for Retinitis pigmentosa 71; Short-rib thoracic dysplasia 10 with or without polydactyly. Last evaluated: 2022-02-24. Review status: criteria provided, single submitter. Criteria: Invitae Variant Classification Sherloc (09022015). Collection method: clinical testing. Allele origin: germline.
Comment: This sequence change replaces cysteine, which is neutral and slightly polar, with tryptophan, which is neutral and slightly polar, at codon 1514 of the IFT172 protein (p.Cys1514Trp). This variant is present in population databases (rs758565766, gnomAD 0.06%). This variant has not been reported in the literature in individuals affected with IFT172-related conditions. Algorithms developed to predict the effect of missense changes on protein structure and function (SIFT, PolyPhen-2, Align-GVGD) all suggest that this variant is likely to be tolerated. In summary, the available evidence is currently insufficient to determine the role of this variant in disease. Therefore, it has been classified as a Variant of Uncertain Significance.

PreventionGenetics, part of Exact Sciences
Classification: Uncertain significance for IFT172-related condition. Last evaluated: 2024-09-18. Review status: no assertion criteria provided. Collection method: clinical testing. Allele origin: germline. Not counted in ClinVar's aggregate classification.
Comment: The IFT172 c.4542T>G variant is predicted to result in the amino acid substitution p.Cys1514Trp. To our knowledge, this variant has not been reported in the literature. This variant is reported in 0.059% of alleles in individuals of South Asian descent in gnomAD, which is more common than expected for a primary cause of disease. Although we suspect that this variant may be benign, at this time, the clinical significance of this variant is uncertain due to the absence of conclusive functional and genetic evidence.

NM_015662.3(IFT172):c.4542T>G (p.Cys1514Trp)

Gene: IFT172 (intraflagellar transport 172; minus strand). Cytogenetic location: 2p23.3.
Variant type: single nucleotide variant.
Coding change: c.4542T>G on transcript NM_015662.3 (MANE Select); coding-DNA position 4542, T replaced by G.
Protein change: p.Cys1514Trp; replaces cysteine 1514 with tryptophan.
Molecular consequence: missense variant.
Genome position (GRCh38, 1-based): chr2:27,447,632, A>C on the plus strand (T>G on the coding strand, the complement: IFT172 is on the minus strand). VCF-style: chr2-27447632-A-C. GRCh37 (hg19) VCF-style: chr2-27670499-A-C.
Other names: c.4542T>G (NM_015662.2); short protein forms C1514W.
Identifiers: ClinVar variation 1445014 (VCV001445014.4), dbSNP rs758565766, ClinGen allele CA1579554.